The following is an entry in ClinVar:

NM_016938.5(EFEMP2):c.111+1G>A

Gene: EFEMP2 (EGF-like fibulin extracellular matrix protein 2; minus strand). Cytogenetic location: 11q13.1.
Variant type: single nucleotide variant.
Coding change: c.111+1G>A on transcript NM_016938.5 (MANE Select); the canonical splice donor site of the intron after coding-DNA position 111, G replaced by A.
Molecular consequence: splice donor variant.
Genome position (GRCh38, 1-based): chr11:65,872,243, C>T on the plus strand (G>A on the coding strand, the complement: EFEMP2 is on the minus strand). VCF-style: chr11-65872243-C-T. GRCh37 (hg19) VCF-style: chr11-65639714-C-T.
Identifiers: ClinVar variation 4822497 (VCV004822497.4).

ClinVar aggregate classification (germline): Pathogenic (1 of 4 stars; one submission).

Submission:

CeGaT Center for Human Genetics Tuebingen
Classification: Pathogenic. Last evaluated: 2026-03-01. Review status: criteria provided, single submitter. Criteria: CeGaT Center For Human Genetics Tuebingen Variant Classification Criteria Version 2. Collection method: clinical testing. Allele origin: germline. Affected: yes. Observed: 1 variant allele.
Comment: EFEMP2: PVS1, PM2